The following is an entry in ClinVar:

ClinVar aggregate classification (germline): Pathogenic (1 of 4 stars; one submission).

Conditions:
Bohring-Opitz syndrome. Also called: C-LIKE SYNDROME; BOHRING SYNDROME; OPITZ TRIGONOCEPHALY-LIKE SYNDROME; ASXL1-Related Bohring-Opitz Syndrome. Identifiers: Orphanet 97297, MedGen C0796232, MONDO:0011510, OMIM 605039.

Submission:

Victorian Clinical Genetics Services, Murdoch Childrens Research Institute
Classification: Pathogenic for Bohring-Opitz syndrome. Last evaluated: 2024-09-22. Review status: criteria provided, single submitter. Criteria: ACMG Guidelines, 2015. Collection method: clinical testing. Allele origin: germline. Inheritance: Autosomal dominant inheritance. Affected: yes.
Comment: Based on the classification scheme VCGS_Germline_v1.3.4, this variant is classified as Pathogenic. Following criteria are met: 0102 - Loss of function is a known mechanism of disease in this gene and is associated with Bohring-Opitz syndrome (MIM#605039). (I) 0107 - This gene is associated with autosomal dominant disease. (I) 0204 - Variant is predicted to result in a truncated protein (premature termination codon is NOT located at least 54 nucleotides upstream of the final exon-exon junction) with at least 1/3 of the protein sequence affected. (SP) 0251 - This variant is heterozygous. (I) 0301 - Variant is absent from gnomAD (both v2 and v3). (SP) 0600 - Variant is located in the annotated PHD_3 domain (DECIPHER). (I) 0701 - Other protein truncating variants comparable to the one identified in this case have very strong previous evidence for pathogenicity (DECIPHER). (SP) 0807 - This variant has no previous evidence of pathogenicity. (I) 0905 - No published segregation evidence has been identified for this variant. (I) 1007 - No published functional evidence has been identified for this variant. (SP) Legend: (SP) - Supporting pathogenic, (I) - Information, (SB) - Supporting benign

NM_015338.6(ASXL1):c.2367_2368del (p.Cys789_Glu790delinsTer)

Gene: ASXL1 (ASXL transcriptional regulator 1; plus strand). Cytogenetic location: 20q11.21.
Variant type: Microsatellite.
Coding change: c.2367_2368del on transcript NM_015338.6 (MANE Select); coding-DNA positions 2367 to 2368, 2 bases deleted (TG; older notation c.2367_2368delTG).
Protein change: p.Cys789_Glu790delinsTer.
Molecular consequence: nonsense. On other transcripts: frameshift variant (2).
Genome position (GRCh38, 1-based): chr20:32,435,079-32,435,080, TG deleted; deleting any 2 consecutive bases within chr20:32,435,077-32,435,080 gives the same sequence; the c. name uses the placement nearest the transcript's 3' end. VCF-style (leftmost placement, unchanged base first): chr20-32435076-ATG-A. GRCh37 (hg19) VCF-style: chr20-31022879-ATG-A.
Other names: c.2367_2368delTG (NM_015338.5); c.2184_2185del, p.Cys728_Glu729delinsTer (NM_001363734.1); c.2365_2366TG[1], p.Cys789Terfs (NM_015338.5).
Identifiers: ClinVar variation 3254959 (VCV003254959.2), dbSNP rs2515563035.